The following is an entry in ClinVar:

NM_000089.4(COL1A2):c.506G>A (p.Gly169Glu)

Gene: COL1A2 (collagen type I alpha 2 chain; plus strand). Cytogenetic location: 7q21.3.
Variant type: single nucleotide variant.
Coding change: c.506G>A on transcript NM_000089.4 (MANE Select); coding-DNA position 506, G replaced by A.
Protein change: p.Gly169Glu; replaces glycine 169 with glutamic acid.
Molecular consequence: missense variant.
Genome position (GRCh38, 1-based): chr7:94,405,692, G>A. VCF-style: chr7-94405692-G-A. GRCh37 (hg19) VCF-style: chr7-94035004-G-A.
Other names: short protein forms G169E.
Identifiers: ClinVar variation 3766670 (VCV003766670.1).

ClinVar aggregate classification (germline): Likely pathogenic (1 of 4 stars; one submission).

Submission:

ARUP Laboratories, Molecular Genetics and Genomics, ARUP Laboratories
Classification: Likely pathogenic. Last evaluated: 2024-06-18. Review status: criteria provided, single submitter. Criteria: ARUP Molecular Germline Variant Investigation Process 2024. Collection method: clinical testing. Allele origin: germline.
Comment: The COL1A2 c.506G>A; p.Gly169Glu variant is reported in the literature in an individual affected with osteogenesis imperfecta (Maioli 2019). This variant is absent from the Genome Aggregation Database, indicating it is not a common polymorphism. Computational analyses predict that this variant is deleterious (REVEL: 0.983). Additionally, this variant disrupts the repeating Gly-X-Y sequence motif of the collagen triple helix and is predicted to impair collagen function (Ben Amor 2011). Based on available information, this variant is considered to be likely pathogenic. References: Ben Amor I et al. Genotype-phenotype correlations in autosomal dominant osteogenesis imperfecta. J Osteoporos. 2011; 2011:540178. PMID: 21912751. Maioli M et al. Genotype-phenotype correlation study in 364 osteogenesis imperfecta Italian patients. Eur J Hum Genet. 2019 Jul;27(7):1090-1100. PMID: 30886339.